The following is an entry in ClinVar:

ClinVar aggregate classification (germline): Likely benign (0 of 4 stars; one submission).

Conditions:
CHST11-related disorder. Also called: CHST11-related condition.

Allele frequency attached by ClinVar (database versions not stated): 1000 Genomes Project 0.00180; 1000 Genomes Project 30x 0.00187; ExAC 0.00232; gnomAD 0.00283; TOPMed 0.00288; ESP Exome Variant Server 0.00315.
gnomAD v4.1: 7,794 of 1,609,418 alleles (0.48%); highest among the groups gnomAD compares: Non-Finnish European, 0.62%; 34 homozygotes.

Submission:

PreventionGenetics, part of Exact Sciences
Classification: Likely benign for CHST11-related condition. Last evaluated: 2024-02-19. Review status: no assertion criteria provided. Collection method: clinical testing. Allele origin: germline.
Comment: This variant is classified as likely benign based on ACMG/AMP sequence variant interpretation guidelines (Richards et al. 2015 PMID: 25741868, with internal and published modifications).

NM_018413.6(CHST11):c.-7C>A

Genes: CHST11 (carbohydrate sulfotransferase 11; plus strand), LOC130008610 (ATAC-STARR-seq lymphoblastoid silent region 4796; plus strand). Cytogenetic location: 12q23.3.
Variant type: single nucleotide variant.
Coding change: c.-7C>A on transcript NM_018413.6 (MANE Select); 7 bases upstream of the start codon, C replaced by A.
Molecular consequence: 5 prime UTR variant.
Genome position (GRCh38, 1-based): chr12:104,457,405, C>A. VCF-style: chr12-104457405-C-A. GRCh37 (hg19) VCF-style: chr12-104851183-C-A.
Other names: c.-7C>A (NM_001173982.2).
Identifiers: ClinVar variation 3044683 (VCV003044683.2), dbSNP rs200653714, ClinGen allele CA6756471.